The following is an entry in ClinVar:

ClinVar aggregate classification (germline): Uncertain significance (1 of 4 stars; one submission).

gnomAD v4.1: 29 of 1,603,116 alleles (0.0018%); highest among the groups gnomAD compares: Middle Eastern, 0.017%; no homozygotes.

Submission:

Ambry Genetics
Classification: Uncertain significance. Last evaluated: 2025-12-21. Review status: criteria provided, single submitter. Criteria: Ambry Variant Classification Scheme 2023. Collection method: clinical testing. Allele origin: germline.
Comment: The p.G924S variant (also known as c.2770G>A), located in coding exon 16 of the PKP4 gene, results from a G to A substitution at nucleotide position 2770. The glycine at codon 924 is replaced by serine, an amino acid with similar properties. This amino acid position is conserved. In addition, this alteration is predicted to be tolerated by in silico analysis. Based on the available evidence, the clinical significance of this variant remains unclear.

NM_003628.6(PKP4):c.2770G>A (p.Gly924Ser)

Genes: PKP4 (plakophilin 4; plus strand), PKP4-AS1 (PKP4 antisense RNA 1; minus strand). Cytogenetic location: 2q24.1.
Variant type: single nucleotide variant.
Coding change: c.2770G>A on transcript NM_003628.6 (MANE Select); coding-DNA position 2770, G replaced by A.
Protein change: p.Gly924Ser; replaces glycine 924 with serine.
Molecular consequence: missense variant.
Genome position (GRCh38, 1-based): chr2:158,669,761, G>A. VCF-style: chr2-158669761-G-A. GRCh37 (hg19) VCF-style: chr2-159526273-G-A.
Other names: c.2767G>A, p.Gly923Ser (NM_001304969.3, NM_001377219.1, NM_001377220.1 and 2 more transcripts); c.1741G>A, p.Gly581Ser (NM_001304970.3); c.2770G>A, p.Gly924Ser (NM_001377218.1, NM_001377225.1, NM_001005476.4); c.2764G>A, p.Gly922Ser (NM_001377222.1, NM_001377223.1); c.2761G>A, p.Gly921Ser (NM_001377224.1); short protein forms G921S, G924S, G581S, G922S, G923S.
Identifiers: ClinVar variation 4841533 (VCV004841533.1).